The following is an entry in ClinVar:

ClinVar aggregate classification (germline): Pathogenic (1 of 4 stars; one submission).

Conditions:
Hereditary spastic paraplegia 7 (SPG7). Also called: SPG7-related neurologic disorder; Autosomal recessive spastic paraplegia type 7; Spastic paraplegia 7; Hereditary spastic paraplegia Paraplegin type; SPASTIC PARAPLEGIA 7, AUTOSOMAL RECESSIVE, WITH OR WITHOUT CEREBELLAR ATAXIA. Identifiers: Orphanet 99013, MedGen C1846564, MONDO:0011803, OMIM 607259.

Submission:

Labcorp Genetics (formerly Invitae), Labcorp
Classification: Pathogenic for Hereditary spastic paraplegia 7. Last evaluated: 2022-07-09. Review status: criteria provided, single submitter. Criteria: Invitae Variant Classification Sherloc (09022015). Collection method: clinical testing. Allele origin: germline.
Comment: This sequence change creates a premature translational stop signal (p.Thr714Argfs*27) in the SPG7 gene. While this is not anticipated to result in nonsense mediated decay, it is expected to disrupt the last 82 amino acid(s) of the SPG7 protein. This variant is not present in population databases (gnomAD no frequency). This variant has not been reported in the literature in individuals affected with SPG7-related conditions. This variant disrupts a region of the SPG7 protein in which other variant(s) (p.Ile743Thr) have been determined to be pathogenic (PMID: 18799786, 22964162, 24727571, 25681447, 27123479). This suggests that this is a clinically significant region of the protein, and that variants that disrupt it are likely to be disease-causing. For these reasons, this variant has been classified as Pathogenic.

Literature cited by the submitters: PubMed 18799786; PubMed 22964162; PubMed 24727571; PubMed 25681447; PubMed 27123479.

NM_003119.4(SPG7):c.2140_2141del (p.Thr714fs)

Gene: SPG7 (SPG7 matrix AAA peptidase subunit, paraplegin; plus strand). Cytogenetic location: 16q24.3.
Variant type: Microsatellite.
Coding change: c.2140_2141del on transcript NM_003119.4 (MANE Select); coding-DNA positions 2140 to 2141, 2 bases deleted (AC; older notation c.2140_2141delAC).
Protein change: p.Thr714fs; shifts the reading frame from threonine 714.
Molecular consequence: frameshift variant.
Genome position (GRCh38, 1-based): chr16:89,554,522-89,554,523, AC deleted; deleting any 2 consecutive bases within chr16:89,554,518-89,554,523 gives the same sequence; the c. name uses the placement nearest the transcript's 3' end. VCF-style (leftmost placement, unchanged base first): chr16-89554517-GAC-G. GRCh37 (hg19) VCF-style: chr16-89620925-GAC-G.
Other names: c.2140_2141del, p.Thr714fs (NM_001363850.1); short protein forms T714fs.
Identifiers: ClinVar variation 1900732 (VCV001900732.5), dbSNP rs2543852101, ClinGen allele CA2580613934.